The following is an entry in ClinVar:

ClinVar aggregate classification (germline): Pathogenic (0 of 4 stars; one submission).

Conditions:
Marfan syndrome (MFS). Also called: FBN1-Related Marfan Syndrome; MARFAN SYNDROME, TYPE I; Marfan syndrome, classic; Marfan syndrome type 1; Marfan's syndrome. Identifiers: Orphanet 284963, Orphanet 558, MedGen C0024796, MONDO:0007947, OMIM 154700.

Submission:

Elahi Laboratory, University of Tehran
Classification: Pathogenic for Marfan''s syndrome. Review status: no assertion criteria provided. Collection method: not provided. Allele origin: unknown.
ClinVar note: Converted during submission from pathogenic to Pathogenic.

NM_000138.5(FBN1):c.385T>G (p.Cys129Gly)

Gene: FBN1 (fibrillin 1; minus strand). Cytogenetic location: 15q21.1.
Variant type: single nucleotide variant.
Coding change: c.385T>G on transcript NM_000138.5 (MANE Select); coding-DNA position 385, T replaced by G.
Protein change: p.Cys129Gly; replaces cysteine 129 with glycine.
Molecular consequence: missense variant.
Genome position (GRCh38, 1-based): chr15:48,600,196, A>C on the plus strand (T>G on the coding strand, the complement: FBN1 is on the minus strand). VCF-style: chr15-48600196-A-C. GRCh37 (hg19) VCF-style: chr15-48892393-A-C.
Other names: short protein forms C129G.
Identifiers: ClinVar variation 126960 (VCV000126960.2), dbSNP rs199474693, ClinGen allele CA014604.